The following is an entry in ClinVar:

NM_020778.5(ALPK3):c.4409A>T (p.Gln1470Leu)

Gene: ALPK3 (alpha kinase 3; plus strand). Cytogenetic location: 15q25.3.
Variant type: single nucleotide variant.
Coding change: c.4409A>T on transcript NM_020778.5 (MANE Select); coding-DNA position 4409, A replaced by T.
Protein change: p.Gln1470Leu; replaces glutamine 1470 with leucine.
Molecular consequence: missense variant.
Genome position (GRCh38, 1-based): chr15:84,862,914, A>T. VCF-style: chr15-84862914-A-T. GRCh37 (hg19) VCF-style: chr15-85406145-A-T.
Other names: short protein forms Q1470L.
Identifiers: ClinVar variation 4722486 (VCV004722486.1).
Genomic context (GRCh38, chr15:84,862,914, plus strand): 5'-TTGTGTTTGGGCCCAGCAGTGAGACTTCTCTTGTGGGCAGAAACTACGACGTCACCATCC[A>T]GGTACTATGTCCCATCTTCACACCCCATTCTTTTATTCTCTCACCCCCTCCCCTTTCCCA-3'
Protein context (NP_065829.4, residues 1460-1480): LVGRNYDVTI[Gln1470Leu]GCKIQNMSRE

ClinVar aggregate classification (germline): Uncertain significance (1 of 4 stars; one submission).

Submission:

Labcorp Genetics (formerly Invitae), Labcorp
Classification: Uncertain significance. Last evaluated: 2025-07-02. Review status: criteria provided, single submitter. Criteria: Invitae Variant Classification Sherloc (09022015). Collection method: clinical testing. Allele origin: germline.
Comment: This sequence change replaces glutamine, which is neutral and polar, with leucine, which is neutral and non-polar, at codon 1672 of the ALPK3 protein (p.Gln1672Leu). This variant is not present in population databases (gnomAD no frequency). This variant has not been reported in the literature in individuals affected with ALPK3-related conditions. An algorithm developed to predict the effect of missense changes on protein structure and function (PolyPhen-2) suggests that this variant is likely to be disruptive. Algorithms developed to predict the effect of sequence changes on RNA splicing suggest that this variant may disrupt the consensus splice site. In summary, the available evidence is currently insufficient to determine the role of this variant in disease. Therefore, it has been classified as a Variant of Uncertain Significance.